The following is an entry in ClinVar:

NM_002204.4(ITGA3):c.3123G>A (p.Pro1041=)

Gene: ITGA3 (integrin subunit alpha 3; plus strand). Cytogenetic location: 17q21.33.
Variant type: single nucleotide variant.
Coding change: c.3123G>A on transcript NM_002204.4 (MANE Select); coding-DNA position 3123, G replaced by A.
Protein change: p.Pro1041=; no amino-acid change (proline 1041 retained).
Molecular consequence: synonymous variant.
Genome position (GRCh38, 1-based): chr17:50,088,302, G>A. VCF-style: chr17-50088302-G-A. GRCh37 (hg19) VCF-style: chr17-48165666-G-A.
Other names: c.3123G>A (NM_002204.3).
Identifiers: ClinVar variation 1666093 (VCV001666093.18), dbSNP rs369707809, ClinGen allele CA8642168.

ClinVar aggregate classification (germline): Likely benign. Review status: criteria provided, multiple submitters, no conflicts (2 of 4 stars). 4 submissions from 4 submitters: Likely benign (3). 1 of the submissions does not count toward it. Last evaluated 2025-07-01.

Conditions:
ITGA3-related disorder. Also called: ITGA3-related condition.

Allele frequency attached by ClinVar (database versions not stated): gnomAD 0.00009 and 0.00008; TOPMed 0.00009; ExAC 0.00013; ESP Exome Variant Server 0.00016; gnomAD exomes 0.00003 and 0.00004.
gnomAD v4.1: 79 of 1,587,788 alleles (0.005%); highest among the groups gnomAD compares: African/African-American, 0.027%; no homozygotes.

Submissions (4):

CeGaT Center for Human Genetics Tuebingen
Classification: Likely benign. Last evaluated: 2025-07-01. Review status: criteria provided, single submitter. Criteria: CeGaT Center For Human Genetics Tuebingen Variant Classification Criteria Version 2. Collection method: clinical testing. Allele origin: germline. Affected: yes. Observed: 1 variant allele.
Comment: ITGA3: BP4, BP7

Labcorp Genetics (formerly Invitae), Labcorp
Classification: Likely benign. Last evaluated: 2024-06-03. Review status: criteria provided, single submitter. Criteria: Invitae Variant Classification Sherloc (09022015). Collection method: clinical testing. Allele origin: germline.

Blueprint Genetics
Classification: Likely benign. Last evaluated: 2023-09-19. Review status: criteria provided, single submitter. Criteria: ACMG Guidelines, 2015. Collection method: clinical testing. Allele origin: germline.

PreventionGenetics, part of Exact Sciences
Classification: Likely benign for ITGA3-related condition. Last evaluated: 2024-06-04. Review status: no assertion criteria provided. Collection method: clinical testing. Allele origin: germline. Not counted in ClinVar's aggregate classification.
Comment: This variant is classified as likely benign based on ACMG/AMP sequence variant interpretation guidelines (Richards et al. 2015 PMID: 25741868, with internal and published modifications).